The following is an entry in ClinVar:

NM_005045.4(RELN):c.5885A>G (p.Asp1962Gly)

Gene: RELN (reelin; minus strand). Cytogenetic location: 7q22.1.
Variant type: single nucleotide variant.
Coding change: c.5885A>G on transcript NM_005045.4 (MANE Select); coding-DNA position 5885, A replaced by G.
Protein change: p.Asp1962Gly; replaces aspartic acid 1962 with glycine.
Molecular consequence: missense variant.
Genome position (GRCh38, 1-based): chr7:103,553,744, T>C on the plus strand (A>G on the coding strand, the complement: RELN is on the minus strand). VCF-style: chr7-103553744-T-C. GRCh37 (hg19) VCF-style: chr7-103194191-T-C.
Other names: c.5885A>G, p.Asp1962Gly (NM_173054.3); short protein forms D1962G.
Identifiers: ClinVar variation 3755998 (VCV003755998.2).

ClinVar aggregate classification (germline): Uncertain significance (1 of 4 stars; one submission).

Conditions:
Familial temporal lobe epilepsy 7. Identifiers: Orphanet 101046, MedGen C4225327, MONDO:0014639, OMIM 616436.
Norman-Roberts syndrome (LIS2). Also called: Lissencephaly 2 (Norman-Roberts type). Identifiers: Orphanet 89844, MedGen C0796089, MONDO:0009760, OMIM 257320.

Submission:

Labcorp Genetics (formerly Invitae), Labcorp
Classification: Uncertain significance for Familial temporal lobe epilepsy 7; Norman-Roberts syndrome. Last evaluated: 2025-01-06. Review status: criteria provided, single submitter. Criteria: Invitae Variant Classification Sherloc (09022015). Collection method: clinical testing. Allele origin: germline.
Comment: This sequence change replaces aspartic acid, which is acidic and polar, with glycine, which is neutral and non-polar, at codon 1962 of the RELN protein (p.Asp1962Gly). This variant is not present in population databases (gnomAD no frequency). This variant has not been reported in the literature in individuals affected with RELN-related conditions. Invitae Evidence Modeling of protein sequence and biophysical properties (such as structural, functional, and spatial information, amino acid conservation, physicochemical variation, residue mobility, and thermodynamic stability) indicates that this missense variant is not expected to disrupt RELN protein function with a negative predictive value of 80%. In summary, the available evidence is currently insufficient to determine the role of this variant in disease. Therefore, it has been classified as a Variant of Uncertain Significance.